The following is an entry in ClinVar:

NM_004006.3(DMD):c.1132C>T (p.Gln378Ter)

Gene: DMD (dystrophin; minus strand). Cytogenetic location: Xp21.1.
Variant type: single nucleotide variant.
Coding change: c.1132C>T on transcript NM_004006.3 (MANE Select); coding-DNA position 1132, C replaced by T.
Protein change: p.Gln378Ter; replaces glutamine 378 with a stop codon.
Molecular consequence: nonsense.
Genome position (GRCh38, 1-based): chrX:32,644,981, G>A on the plus strand (C>T on the coding strand, the complement: DMD is on the minus strand). VCF-style: chrX-32644981-G-A. GRCh37 (hg19) VCF-style: chrX-32663098-G-A.
Other names: c.1108C>T, p.Gln370Ter (NM_000109.4); c.1120C>T, p.Gln374Ter (NM_004009.3); c.763C>T, p.Gln255Ter (NM_004010.3); short protein forms Q255*, Q370*, Q374*, Q378*.
Identifiers: ClinVar variation 4710699 (VCV004710699.1), dbSNP rs1556876203.

ClinVar aggregate classification (germline): Pathogenic (1 of 4 stars; one submission).

Conditions:
Duchenne muscular dystrophy (DMD). Also called: MUSCULAR DYSTROPHY, PSEUDOHYPERTROPHIC PROGRESSIVE, DUCHENNE TYPE; Duchenne Muscular Dystrophy (DMD). Identifiers: Orphanet 98896, MedGen C0013264, MONDO:0010679, OMIM 310200.

Submission:

Labcorp Genetics (formerly Invitae), Labcorp
Classification: Pathogenic for Duchenne muscular dystrophy. Last evaluated: 2025-11-01. Review status: criteria provided, single submitter. Criteria: Invitae Variant Classification Sherloc (09022015). Collection method: clinical testing. Allele origin: germline.
Comment: This sequence change creates a premature translational stop signal (p.Gln378*) in the DMD gene. It is expected to result in an absent or disrupted protein product. Loss-of-function variants in DMD are known to be pathogenic (PMID: 16770791, 25007885). This variant is not present in population databases (gnomAD no frequency). This premature translational stop signal has been observed in individual(s) with Duchenne muscular dystrophy (PMID: 17259292). For these reasons, this variant has been classified as Pathogenic.

Literature cited by the submitters: PubMed 16770791; PubMed 25007885; PubMed 17259292.